The following is an entry in ClinVar:

ClinVar aggregate classification (germline): Uncertain significance. Review status: criteria provided, single submitter (1 of 4 stars). 2 submissions from 2 submitters: Uncertain significance (1). 1 of the submissions does not count toward it. Last evaluated 2025-10-17.

Conditions:
TBC1D1-related disorder. Also called: TBC1D1-related condition.
Inborn genetic diseases. Identifiers: MedGen C0950123, MeSH D030342.

gnomAD v4.1: 2 of 1,611,500 alleles (0.00012%); no homozygotes.

Submissions (2):

Ambry Genetics
Classification: Uncertain significance for Inborn genetic diseases. Last evaluated: 2025-10-17. Review status: criteria provided, single submitter. Criteria: Ambry Variant Classification Scheme 2023. Collection method: clinical testing. Allele origin: germline.

PreventionGenetics, part of Exact Sciences
Classification: Uncertain significance for TBC1D1-related condition. Last evaluated: 2023-12-24. Review status: no assertion criteria provided. Collection method: clinical testing. Allele origin: germline. Not counted in ClinVar's aggregate classification.
Comment: The TBC1D1 c.1072G>A variant is predicted to result in the amino acid substitution p.Ala358Thr. To our knowledge, this variant has not been reported in the literature or in a large population database, indicating this variant is rare. At this time, the clinical significance of this variant is uncertain due to the absence of conclusive functional and genetic evidence.

NM_001396959.1(TBC1D1):c.1072G>A (p.Ala358Thr)

Genes: TBC1D1 (TBC1 domain family member 1; plus strand), LOC126807034 (BRD4-independent group 4 enhancer GRCh37_chr4:38021983-38023182; plus strand). Cytogenetic location: 4p14.
Variant type: single nucleotide variant.
Coding change: c.1072G>A on transcript NM_001396959.1 (MANE Select); coding-DNA position 1072, G replaced by A.
Protein change: p.Ala358Thr; replaces alanine 358 with threonine.
Molecular consequence: missense variant.
Genome position (GRCh38, 1-based): chr4:38,020,690, G>A. VCF-style: chr4-38020690-G-A. GRCh37 (hg19) VCF-style: chr4-38022311-G-A.
Other names: c.1072G>A (NM_015173.2); c.1072G>A, p.Ala358Thr (NM_001253912.2, NM_015173.4); short protein forms A358T.
Identifiers: ClinVar variation 3045537 (VCV003045537.3), dbSNP rs2476786308, ClinGen allele CA356564411.
Genomic context (GRCh38, chr4:38,020,690, plus strand): 5'-GAGTCTTCCGGAGGTGGCGGCTTTCATTTTGTCTGTTACGTGTTTCAGTGCACAAATGAG[G>A]CTCTGGTGAGAGAGGACAAGCAATTCTTACCTTGGAACCTTCTTTACAAGGAATTTTAGC-3'
Protein context (NP_001383888.1, residues 348-368): VCYVFQCTNE[Ala358Thr]LVDEIMMTLK